The following is an entry in ClinVar:

NM_006901.4(MYO9A):c.3293G>C (p.Arg1098Pro)

Gene: MYO9A (myosin IXA; minus strand). Cytogenetic location: 15q23.
Variant type: single nucleotide variant.
Coding change: c.3293G>C on transcript NM_006901.4 (MANE Select); coding-DNA position 3293, G replaced by C.
Protein change: p.Arg1098Pro; replaces arginine 1098 with proline.
Molecular consequence: missense variant.
Genome position (GRCh38, 1-based): chr15:71,899,864, C>G on the plus strand (G>C on the coding strand, the complement: MYO9A is on the minus strand). VCF-style: chr15-71899864-C-G. GRCh37 (hg19) VCF-style: chr15-72192205-C-G.
Other names: c.3293G>C (NM_006901.3); short protein forms R1098P.
Identifiers: ClinVar variation 2465890 (VCV002465890.4), dbSNP rs141948847, ClinGen allele CA7641586.

ClinVar aggregate classification (germline): Uncertain significance. Review status: criteria provided, single submitter (1 of 4 stars). 2 submissions from 2 submitters: Uncertain significance (1). 1 of the submissions does not count toward it. Last evaluated 2023-03-01.

Conditions:
Inborn genetic diseases. Identifiers: MedGen C0950123, MeSH D030342.
MYO9A-related disorder. Also called: MYO9A-related condition.

Allele frequency attached by ClinVar (database versions not stated): 1000 Genomes Project 30x 0.00094; 1000 Genomes Project 0.00100; ESP Exome Variant Server 0.00192.
gnomAD v4.1: 3,330 of 1,614,040 alleles (0.21%); highest among the groups gnomAD compares: Non-Finnish European, 0.25%; 7 homozygotes.

Submissions (2):

Ambry Genetics
Classification: Uncertain significance for Inborn genetic diseases. Last evaluated: 2023-03-01. Review status: criteria provided, single submitter. Criteria: Ambry Variant Classification Scheme 2023. Collection method: clinical testing. Allele origin: germline.

PreventionGenetics, part of Exact Sciences
Classification: Likely benign for MYO9A-related condition. Last evaluated: 2022-02-03. Review status: no assertion criteria provided. Collection method: clinical testing. Allele origin: germline. Not counted in ClinVar's aggregate classification.
Comment: This variant is classified as likely benign based on ACMG/AMP sequence variant interpretation guidelines (Richards et al. 2015 PMID: 25741868, with internal and published modifications).